The following is an entry in ClinVar:

NM_006206.6(PDGFRA):c.461A>G (p.Asp154Gly)

Gene: PDGFRA (platelet derived growth factor receptor alpha; plus strand). Cytogenetic location: 4q12.
Variant type: single nucleotide variant.
Coding change: c.461A>G on transcript NM_006206.6 (MANE Select); coding-DNA position 461, A replaced by G.
Protein change: p.Asp154Gly; replaces aspartic acid 154 with glycine.
Molecular consequence: missense variant.
Genome position (GRCh38, 1-based): chr4:54,263,760, A>G. VCF-style: chr4-54263760-A-G. GRCh37 (hg19) VCF-style: chr4-55129927-A-G.
Other names: c.461A>G, p.Asp154Gly (NM_001347827.2, NM_001347829.2); c.536A>G, p.Asp179Gly (NM_001347828.2); c.500A>G, p.Asp167Gly (NM_001347830.2); short protein forms D154G, D167G, D179G.
Identifiers: ClinVar variation 3240059 (VCV003240059.3), dbSNP rs948286384.

ClinVar aggregate classification (germline): Uncertain significance. Review status: criteria provided, multiple submitters, no conflicts (2 of 4 stars). 3 submissions from 3 submitters: Uncertain significance (3). Last evaluated 2025-12-10.

Conditions:
Hereditary cancer-predisposing syndrome. Also called: Neoplastic Syndromes, Hereditary; Tumor predisposition; Hereditary Cancer Syndrome; Hereditary neoplastic syndrome. Identifiers: Orphanet 140162, MedGen C0027672, MeSH D009386, MONDO:0015356.
Gastrointestinal stromal tumor. Also called: Gastrointestinal stromal tumor, somatic; Gastrointestinal stroma tumor. Identifiers: Orphanet 44890, MedGen C0238198, MeSH D046152, MONDO:0011719, OMIM 606764, HP:0100723.
Polyps, multiple and recurrent inflammatory fibroid, gastrointestinal. Identifiers: MedGen C5193005, MONDO:0008285, OMIM 175510.

Allele frequency attached by ClinVar (database versions not stated): gnomAD 0.00001; gnomAD exomes 0.00001; TOPMed 0.00001.
gnomAD v4.1: 16 of 1,613,906 alleles (0.00099%); highest among the groups gnomAD compares: Non-Finnish European, 0.0014%; no homozygotes.

Submissions (3):

Labcorp Genetics (formerly Invitae), Labcorp
Classification: Uncertain significance for Gastrointestinal stromal tumor. Last evaluated: 2025-12-10. Review status: criteria provided, single submitter. Criteria: Invitae Variant Classification Sherloc (09022015). Collection method: clinical testing. Allele origin: germline.
Comment: This sequence change replaces aspartic acid, which is acidic and polar, with glycine, which is neutral and non-polar, at codon 154 of the PDGFRA protein (p.Asp154Gly). This variant is present in population databases (no rsID available, gnomAD 0.0009%). This variant has not been reported in the literature in individuals affected with PDGFRA-related conditions. ClinVar contains an entry for this variant (Variation ID: 3240059). Invitae Evidence Modeling of protein sequence and biophysical properties (such as structural, functional, and spatial information, amino acid conservation, physicochemical variation, residue mobility, and thermodynamic stability) indicates that this missense variant is not expected to disrupt PDGFRA protein function with a negative predictive value of 80%. In summary, the available evidence is currently insufficient to determine the role of this variant in disease. Therefore, it has been classified as a Variant of Uncertain Significance.

Ambry Genetics
Classification: Uncertain significance for Hereditary cancer-predisposing syndrome. Last evaluated: 2025-02-03. Review status: criteria provided, single submitter. Criteria: Ambry Variant Classification Scheme 2023. Collection method: clinical testing. Allele origin: germline.
Comment: The p.D154G variant (also known as c.461A>G), located in coding exon 3 of the PDGFRA gene, results from an A to G substitution at nucleotide position 461. The aspartic acid at codon 154 is replaced by glycine, an amino acid with similar properties. This amino acid position is highly conserved in available vertebrate species. In addition, the in silico prediction for this alteration is inconclusive. Based on the available evidence, the clinical significance of this variant remains unclear.

Baylor Genetics
Classification: Uncertain significance for Polyps, multiple and recurrent inflammatory fibroid, gastrointestinal. Last evaluated: 2024-01-24. Review status: criteria provided, single submitter. Criteria: ACMG Guidelines, 2015. Collection method: clinical testing. Allele origin: unknown.